The following is an entry in ClinVar:

ClinVar aggregate classification (germline): Conflicting classifications of pathogenicity. Review status: criteria provided, conflicting classifications (1 of 4 stars). 9 submissions from 9 submitters: Uncertain significance (2); Likely benign (6). 1 of the submissions does not count toward it. Last evaluated 2026-09-01.

Conditions:
Infantile hypophosphatasia. Identifiers: Orphanet 247651, Orphanet 436, MedGen C0268412, MONDO:1010169, OMIM 241500, MONDO:0009427.
Inborn genetic diseases. Identifiers: MedGen C0950123, MeSH D030342.
ALPL-related disorder. Also called: ALPL-related disorders; ALPL-related condition.
Hypophosphatasia. Also called: Phosphoethanol-aminuria. Identifiers: Orphanet 436, MedGen C0020630, MeSH D007014, MONDO:0018570.
Osteogenesis imperfecta (OI). Identifiers: Orphanet 666, MedGen C0029434, MeSH D010013, MONDO:0019019.

Allele frequency attached by ClinVar (database versions not stated): gnomAD 0.00033 and 0.00035; gnomAD exomes 0.00033 and 0.00047; TOPMed 0.00036; ExAC 0.00039; 1000 Genomes Project 30x 0.00047; ESP Exome Variant Server 0.00049.

Submissions (9):

Genomenon, Inc
Classification: Likely benign for Hypophosphatasia. Last evaluated: 2026-09-01. Review status: criteria provided, single submitter. Criteria: Genomenon Sequence Variant Interpretation Standards - Updated. Collection method: curation. Allele origin: germline. Affected: no.
Comment: ALPL c.1574del is a deletion variant that retains Ter at codon 525. This variant has been reported in the published literature (PMID:35252483). In conclusion, we classify ALPL p.Ter525= (c.1574del) as a likely benign variant.

Women's Health and Genetics/Laboratory Corporation of America, LabCorp
Classification: Likely benign. Last evaluated: 2026-03-05. Review status: criteria provided, single submitter. Criteria: LabCorp Variant Classification Summary - May 2015. Collection method: clinical testing. Allele origin: germline.
Comment: Variant summary: ALPL c.1574delG (p.X525X) results in a same termination codon as the WT ALPL. The variant allele was found at a frequency of 0.00033 in 227378 control chromosomes. This frequency is not significantly higher than estimated for disease-causing variants in ALPL, allowing no conclusion about variant significance. c.1574delG has been observed in individual(s) affected with Hypophosphatasia and Alzheimer Disease without strong evidence for causality (Rush_2025, Patel_2019). These report(s) do not provide unequivocal conclusions about association of the variant with Hypophosphatasia. To our knowledge, no experimental evidence demonstrating an impact on protein function has been reported. The following publications have been ascertained in the context of this evaluation (PMID: 30924900, 39983296). ClinVar contains an entry for this variant (Variation ID: 555631). Based on the evidence outlined above, the variant was classified as likely benign.

Labcorp Genetics (formerly Invitae), Labcorp
Classification: Likely benign. Last evaluated: 2026-01-13. Review status: criteria provided, single submitter. Criteria: Invitae Variant Classification Sherloc (09022015). Collection method: clinical testing. Allele origin: germline.

PreventionGenetics, part of Exact Sciences
Classification: Likely benign for ALPL-related condition. Last evaluated: 2025-08-12. Review status: criteria provided, single submitter. Criteria: ACMG Guidelines, 2015. Collection method: clinical testing. Allele origin: germline.
Comment: This variant is classified as likely benign based on ACMG/AMP sequence variant interpretation guidelines (Richards et al. 2015 PMID: 25741868, with internal and published modifications).

Blueprint Genetics
Classification: Uncertain significance. Last evaluated: 2024-11-19. Review status: criteria provided, single submitter. Criteria: ACMG Guidelines, 2015. Collection method: clinical testing. Allele origin: germline.

Genome Diagnostics Laboratory, The Hospital for Sick Children
Classification: Uncertain significance for Osteogenesis imperfecta. Last evaluated: 2022-04-20. Review status: criteria provided, single submitter. Criteria: ACMG Guidelines, 2015. Collection method: clinical testing. Allele origin: germline.

Ambry Genetics
Classification: Likely benign for Inborn genetic diseases. Last evaluated: 2022-03-23. Review status: criteria provided, single submitter. Criteria: Ambry Variant Classification Scheme 2023. Collection method: clinical testing. Allele origin: germline.

GeneDx
Classification: Likely benign. Last evaluated: 2021-06-17. Review status: criteria provided, single submitter. Criteria: GeneDx Variant Classification Process June 2021. Collection method: clinical testing. Allele origin: germline. Affected: yes.
Comment: This variant is associated with the following publications: (PMID: 30924900)

Counsyl
Classification: Uncertain significance for Infantile hypophosphatasia. Last evaluated: 2017-12-14. Review status: no assertion criteria provided. Collection method: clinical testing. Allele origin: unknown. Not counted in ClinVar's aggregate classification.

Literature cited by the submitters: PubMed 35252483 (cited by Genomenon, Inc); PubMed 30924900 (cited by Women's Health and Genetics/Laboratory Corporation of America, LabCorp); PubMed 39983296 (cited by Women's Health and Genetics/Laboratory Corporation of America, LabCorp).

NM_000478.6(ALPL):c.1574del (p.Phe524_Ter525insTer)

Gene: ALPL (alkaline phosphatase, biomineralization associated; plus strand). Cytogenetic location: 1p36.12.
Variant type: Deletion.
Coding change: c.1574del on transcript NM_000478.6 (MANE Select); coding-DNA position 1574, one base deleted (G; older notation c.1574delG).
Protein change: p.Phe524_Ter525insTer.
Molecular consequence: frameshift variant.
Genome position (GRCh38, 1-based): chr1:21,577,647, G deleted. VCF-style (leftmost placement, unchanged base first): chr1-21577646-TG-T. GRCh37 (hg19) VCF-style: chr1-21904139-TG-T.
Other names: c.1574delG (NM_000478.4, NM_000478.5, NM_000478.6); c.1409del, p.Phe469_Ter470insTer (NM_001127501.4); c.1343del, p.Phe447_Ter448insTer (NM_001177520.3); c.1574del, p.Phe524_Ter525insTer (NM_001369803.2, NM_001369804.2, NM_001369805.2).
Identifiers: ClinVar variation 555631 (VCV000555631.22), dbSNP rs764994176, ClinGen allele CA666890.